The following is an entry in ClinVar:

ClinVar aggregate classification (germline): Uncertain significance (1 of 4 stars; one submission).

Submission:

Labcorp Genetics (formerly Invitae), Labcorp
Classification: Uncertain significance. Last evaluated: 2022-03-21. Review status: criteria provided, single submitter. Criteria: Invitae Variant Classification Sherloc (09022015). Collection method: clinical testing. Allele origin: germline.
Comment: Algorithms developed to predict the effect of missense changes on protein structure and function output the following: SIFT: "Tolerated"; PolyPhen-2: "Benign"; Align-GVGD: "Class C0". The methionine amino acid residue is found in multiple mammalian species, which suggests that this missense change does not adversely affect protein function. This variant has not been reported in the literature in individuals affected with ADGRV1-related conditions. This variant is not present in population databases (gnomAD no frequency). This sequence change replaces isoleucine, which is neutral and non-polar, with methionine, which is neutral and non-polar, at codon 4812 of the ADGRV1 protein (p.Ile4812Met). In summary, the available evidence is currently insufficient to determine the role of this variant in disease. Therefore, it has been classified as a Variant of Uncertain Significance.

NM_032119.4(ADGRV1):c.14436T>G (p.Ile4812Met)

Gene: ADGRV1 (adhesion G protein-coupled receptor V1; plus strand). Cytogenetic location: 5q14.3.
Variant type: single nucleotide variant.
Coding change: c.14436T>G on transcript NM_032119.4 (MANE Select); coding-DNA position 14436, T replaced by G.
Protein change: p.Ile4812Met; replaces isoleucine 4812 with methionine.
Molecular consequence: missense variant. On other transcripts: non-coding transcript variant (1).
Genome position (GRCh38, 1-based): chr5:90,791,265, T>G. VCF-style: chr5-90791265-T-G. GRCh37 (hg19) VCF-style: chr5-90087082-T-G.
Other names: short protein forms I4812M.
Identifiers: ClinVar variation 1359705 (VCV001359705.7), dbSNP rs2150135539, ClinGen allele CA360401935.